The following is an entry in ClinVar:

ClinVar aggregate classification (germline): Uncertain significance (1 of 4 stars; one submission).

Submission:

Labcorp Genetics (formerly Invitae), Labcorp
Classification: Uncertain significance. Last evaluated: 2022-09-29. Review status: criteria provided, single submitter. Criteria: Invitae Variant Classification Sherloc (09022015). Collection method: clinical testing. Allele origin: germline.
Comment: In summary, the available evidence is currently insufficient to determine the role of this variant in disease. Therefore, it has been classified as a Variant of Uncertain Significance. Advanced modeling of protein sequence and biophysical properties (such as structural, functional, and spatial information, amino acid conservation, physicochemical variation, residue mobility, and thermodynamic stability) performed at Invitae indicates that this missense variant is expected to disrupt KMT2C protein function. This variant has not been reported in the literature in individuals affected with KMT2C-related conditions. This variant is not present in population databases (gnomAD no frequency). This sequence change replaces glutamine, which is neutral and polar, with lysine, which is basic and polar, at codon 3067 of the KMT2C protein (p.Gln3067Lys).

NM_170606.3(KMT2C):c.9199C>A (p.Gln3067Lys)

Gene: KMT2C (lysine methyltransferase 2C; minus strand). Cytogenetic location: 7q36.1.
Variant type: single nucleotide variant.
Coding change: c.9199C>A on transcript NM_170606.3 (MANE Select); coding-DNA position 9199, C replaced by A.
Protein change: p.Gln3067Lys; replaces glutamine 3067 with lysine.
Molecular consequence: missense variant.
Genome position (GRCh38, 1-based): chr7:152,176,254, G>T on the plus strand (C>A on the coding strand, the complement: KMT2C is on the minus strand). VCF-style: chr7-152176254-G-T. GRCh37 (hg19) VCF-style: chr7-151873339-G-T.
Other names: short protein forms Q3067K.
Identifiers: ClinVar variation 1715119 (VCV001715119.5), dbSNP rs2129112700, ClinGen allele CA370076074.